The following is an entry in ClinVar:

NM_001353345.2(SETD1B):c.5637dup (p.Ser1880fs)

Gene: SETD1B (SET domain containing 1B, histone lysine methyltransferase; plus strand). Cytogenetic location: 12q24.31.
Variant type: Duplication.
Coding change: c.5637dup on transcript NM_001353345.2 (MANE Select); coding-DNA position 5637, one base duplicated (G; older notation c.5637dupG).
Protein change: p.Ser1880fs; shifts the reading frame from serine 1880.
Molecular consequence: frameshift variant.
Genome position (GRCh38, 1-based): chr12:121,827,980, G duplicated; the last of 3 consecutive G bases (chr12:121,827,978-121,827,980); duplicating any one gives the same sequence. VCF-style (leftmost placement, unchanged base first): chr12-121827977-C-CG. GRCh37 (hg19) VCF-style: chr12-122265883-C-CG.
Other names: NM_015048.1:c.5508dup; short protein forms S1880fs.
Identifiers: ClinVar variation 1320160 (VCV001320160.1), dbSNP rs2137589783, ClinGen allele CA2573053618.
Genomic context (GRCh38, chr12:121,827,977, plus strand): 5'-CCCCTTTTGTGGCCAGGTGATCGCAGACATGCGGGAGAAGCGTTATGAGGACGAGGGCAT[C>CG]GGGAGCAGCTACATGTTCCGGGTGGACCATGACACCATCATCGACGCCACCAAGTGCGGC-3'

ClinVar aggregate classification (germline): Likely pathogenic (1 of 4 stars; one submission).

Conditions:
Intellectual developmental disorder with seizures and language delay (IDDSELD). Identifiers: MedGen C5436574, MONDO:0033559, OMIM 619000.

Submission:

3billion
Classification: Likely pathogenic for Intellectual developmental disorder with seizures and language delay. Last evaluated: 2021-10-02. Review status: criteria provided, single submitter. Criteria: ACMG Guidelines, 2015. Collection method: clinical testing. Allele origin: unknown. Affected: yes. Observed: 1 heterozygote.
Comment: Frameshift: predicted to result in a loss or disruption of normal protein function through nonsense-mediated decay (NMD) or protein truncation. Multiple pathogenic variants are reported downstream of the variant (PVS1_VS). It is not observed in the gnomAD v2.1.1 dataset (PM2). Therefore, this variant is classified as likely pathogenic according to the recommendation of ACMG/AMP guideline.